The following is an entry in ClinVar:

NM_004100.5(EYA4):c.1739-118G>T

Genes: EYA4 (EYA transcriptional coactivator and phosphatase 4; plus strand), TARID (TCF21 antisense RNA inducing promoter demethylation; minus strand). Cytogenetic location: 6q23.2.
Variant type: single nucleotide variant.
Coding change: c.1739-118G>T on transcript NM_004100.5 (MANE Select); 118 bases into the intron before coding-DNA position 1739, G replaced by T.
Molecular consequence: intron variant. On other transcripts: missense variant (3).
Genome position (GRCh38, 1-based): chr6:133,525,036, G>T. VCF-style: chr6-133525036-G-T. GRCh37 (hg19) VCF-style: chr6-133846174-G-T.
Other names: c.1598G>T, p.Arg533Leu (NM_001301012.2); c.1691G>T, p.Arg564Leu (NM_001370458.1); c.1760G>T, p.Arg587Leu (NM_172105.4); c.1757-118G>T (NM_001301013.2); c.1670-118G>T (NM_172103.4); c.1595-118G>T (NM_001370459.1); short protein forms R533L, R564L, R587L.
Identifiers: ClinVar variation 3359287 (VCV003359287.1).

ClinVar aggregate classification (germline): Uncertain significance (1 of 4 stars; one submission).

Submission:

GeneDx
Classification: Uncertain significance. Last evaluated: 2023-05-30. Review status: criteria provided, single submitter. Criteria: GeneDx Variant Classification Process June 2021. Collection method: clinical testing. Allele origin: germline. Affected: yes.
Comment: Has not been previously published as pathogenic or benign to our knowledge; Not observed at significant frequency in large population cohorts (gnomAD); In silico analysis supports a deleterious effect on splicing